The following is an entry in ClinVar:

NM_015158.5(KANK1):c.935C>T (p.Ser312Phe)

Gene: KANK1 (KN motif and ankyrin repeat domains 1; plus strand). Cytogenetic location: 9p24.3.
Variant type: single nucleotide variant.
Coding change: c.935C>T on transcript NM_015158.5 (MANE Select); coding-DNA position 935, C replaced by T.
Protein change: p.Ser312Phe; replaces serine 312 with phenylalanine.
Molecular consequence: missense variant. On other transcripts: non-coding transcript variant (1).
Genome position (GRCh38, 1-based): chr9:711,701, C>T. VCF-style: chr9-711701-C-T. GRCh37 (hg19) VCF-style: chr9-711701-C-T.
Other names: c.935C>T, p.Ser312Phe (NM_001256876.3, NM_001256877.3, NM_001354331.2 and 2 more transcripts); c.461C>T, p.Ser154Phe (NM_001354333.2, NM_001354335.2, NM_001354336.2 and 9 more transcripts); short protein forms S154F, S312F.
Identifiers: ClinVar variation 2780718 (VCV002780718.3), dbSNP rs1396241352, ClinGen allele CA372747180.

ClinVar aggregate classification (germline): Uncertain significance (1 of 4 stars; one submission).

Allele frequency attached by ClinVar (database versions not stated): gnomAD 0.00001; gnomAD exomes 0.00001; TOPMed 0.00001.
gnomAD v4.1: 4 of 1,614,096 alleles (0.00025%); highest among the groups gnomAD compares: Non-Finnish European, 0.00025%; no homozygotes.

Submission:

Labcorp Genetics (formerly Invitae), Labcorp
Classification: Uncertain significance. Last evaluated: 2024-05-06. Review status: criteria provided, single submitter. Criteria: Invitae Variant Classification Sherloc (09022015). Collection method: clinical testing. Allele origin: germline.
Comment: This sequence change replaces serine, which is neutral and polar, with phenylalanine, which is neutral and non-polar, at codon 312 of the KANK1 protein (p.Ser312Phe). This variant is not present in population databases (gnomAD no frequency). This variant has not been reported in the literature in individuals affected with KANK1-related conditions. An algorithm developed to predict the effect of missense changes on protein structure and function (PolyPhen-2) suggests that this variant is likely to be disruptive. In summary, the available evidence is currently insufficient to determine the role of this variant in disease. Therefore, it has been classified as a Variant of Uncertain Significance.